The following is an entry in ClinVar:

NM_001378183.1(PIEZO2):c.3877G>T (p.Ala1293Ser)

Gene: PIEZO2 (piezo type mechanosensitive ion channel component 2; minus strand). Cytogenetic location: 18p11.22.
Variant type: single nucleotide variant.
Coding change: c.3877G>T on transcript NM_001378183.1 (MANE Select); coding-DNA position 3877, G replaced by T.
Protein change: p.Ala1293Ser; replaces alanine 1293 with serine.
Molecular consequence: missense variant.
Genome position (GRCh38, 1-based): chr18:10,758,015, C>A on the plus strand (G>T on the coding strand, the complement: PIEZO2 is on the minus strand). VCF-style: chr18-10758015-C-A. GRCh37 (hg19) VCF-style: chr18-10758013-C-A.
Other names: c.3877G>T, p.Ala1293Ser (NM_001410871.1); c.3802G>T, p.Ala1268Ser (NM_022068.4); short protein forms A1268S, A1293S.
Identifiers: ClinVar variation 2504700 (VCV002504700.1), dbSNP rs979333670, ClinGen allele CA296029106.
Genomic context (GRCh38, chr18:10,758,015, plus strand): 5'-GAAGCTCTTGTTACCTGCAGTGAATAAAATCTGGCACAGGGTTATGTTGGCTGAAGGAGG[C>A]CGCATCAAGGTTCATGCAGATCTCGACATTGTCACCTGCCATGATTCGCACTGCAGCCTT-3'
Protein context (NP_001365112.1, residues 1283-1303): NVEICMNLDA[Ala1293Ser]SFSQHNPVPD

ClinVar aggregate classification (germline): Uncertain significance (1 of 4 stars; one submission).

Allele frequency attached by ClinVar (database versions not stated): gnomAD exomes below 0.00001; gnomAD 0.00001; TOPMed 0.00002.
gnomAD v4.1: 2 of 1,536,858 alleles (0.00013%); highest among the groups gnomAD compares: African/African-American, 0.0027%; no homozygotes.

Submission:

GeneDx
Classification: Uncertain significance. Last evaluated: 2022-12-10. Review status: criteria provided, single submitter. Criteria: GeneDx Variant Classification Process June 2021. Collection method: clinical testing. Allele origin: germline. Affected: yes.
Comment: Not observed at significant frequency in large population cohorts (gnomAD); In silico analysis supports that this missense variant does not alter protein structure/function; Has not been previously published as pathogenic or benign to our knowledge